The following is an entry in ClinVar:

ClinVar aggregate classification (germline): Uncertain significance. Review status: criteria provided, multiple submitters, no conflicts (2 of 4 stars). 2 submissions from 2 submitters: Uncertain significance (2). Last evaluated 2023-06-07.

Conditions:
Hereditary cancer-predisposing syndrome. Also called: Hereditary neoplastic syndrome; Neoplastic Syndromes, Hereditary; Hereditary Cancer Syndrome; Tumor predisposition. Identifiers: Orphanet 140162, MedGen C0027672, MeSH D009386, MONDO:0015356.
Familial adenomatous polyposis 1 (FAP1). Also called: FAMILIAL ADENOMATOUS POLYPOSIS 1, ATTENUATED; POLYPOSIS, ADENOMATOUS INTESTINAL. Identifiers: MedGen C2713442, MONDO:0021056, OMIM 175100. Disease mechanism: loss of function.

Submissions (2):

Ambry Genetics
Classification: Uncertain significance for Hereditary cancer-predisposing syndrome. Last evaluated: 2023-06-07. Review status: criteria provided, single submitter. Criteria: Ambry Variant Classification Scheme 2023. Collection method: clinical testing. Allele origin: germline.
Comment: The p.R1386K variant (also known as c.4157G>A), located in coding exon 15 of the APC gene, results from a G to A substitution at nucleotide position 4157. The arginine at codon 1386 is replaced by lysine, an amino acid with highly similar properties. This alteration has been observed in at least one individual with a personal and/or family history that is consistent with APC-related disease (Ambry internal data). This amino acid position is highly conserved in available vertebrate species. In addition, in silico predictors for this gene do not accurately predict pathogenicity. Since supporting evidence is limited at this time, the clinical significance of this alteration remains unclear.

Labcorp Genetics (formerly Invitae), Labcorp
Classification: Uncertain significance for Familial adenomatous polyposis 1. Last evaluated: 2022-07-21. Review status: criteria provided, single submitter. Criteria: Invitae Variant Classification Sherloc (09022015). Collection method: clinical testing. Allele origin: germline.
Comment: In summary, the available evidence is currently insufficient to determine the role of this variant in disease. Therefore, it has been classified as a Variant of Uncertain Significance. Algorithms developed to predict the effect of missense changes on protein structure and function (SIFT, PolyPhen-2, Align-GVGD) all suggest that this variant is likely to be disruptive. This variant has not been reported in the literature in individuals affected with APC-related conditions. This variant is not present in population databases (gnomAD no frequency). This sequence change replaces arginine, which is basic and polar, with lysine, which is basic and polar, at codon 1386 of the APC protein (p.Arg1386Lys).

NM_000038.6(APC):c.4157G>A (p.Arg1386Lys)

Gene: APC (APC regulator of Wnt signaling pathway; plus strand). Cytogenetic location: 5q22.2.
Variant type: single nucleotide variant.
Coding change: c.4157G>A on transcript NM_000038.6 (MANE Select); coding-DNA position 4157, G replaced by A.
Protein change: p.Arg1386Lys; replaces arginine 1386 with lysine.
Molecular consequence: missense variant.
Genome position (GRCh38, 1-based): chr5:112,839,751, G>A. VCF-style: chr5-112839751-G-A. GRCh37 (hg19) VCF-style: chr5-112175448-G-A.
Other names: c.4157G>A, p.Arg1386Lys (NM_001127510.3, NM_001354895.2, NM_001407450.1); c.4103G>A, p.Arg1368Lys (NM_001127511.3); c.4211G>A, p.Arg1404Lys (NM_001354896.2, NM_001407447.1, NM_001407448.1 and 1 more transcripts); c.4187G>A, p.Arg1396Lys (NM_001354897.2); c.4082G>A, p.Arg1361Lys (NM_001354898.2); c.4073G>A, p.Arg1358Lys (NM_001354899.2); c.4034G>A, p.Arg1345Lys (NM_001354900.2); c.3980G>A, p.Arg1327Lys (NM_001354901.2, NM_001407453.1); and 12 more; short protein forms R1002K, R1103K, R1226K, R1257K, R1260K, R1285K, R1295K, R1303K.
Identifiers: ClinVar variation 1721475 (VCV001721475.8), dbSNP rs2149907827, ClinGen allele CA16030439.